The following is an entry in ClinVar:

NM_017763.6(RNF43):c.2286C>T (p.Cys762=)

Gene: RNF43 (ring finger protein 43; minus strand). Cytogenetic location: 17q22.
Variant type: single nucleotide variant.
Coding change: c.2286C>T on transcript NM_017763.6 (MANE Select); coding-DNA position 2286, C replaced by T.
Protein change: p.Cys762=; no amino-acid change (cysteine 762 retained).
Molecular consequence: synonymous variant.
Genome position (GRCh38, 1-based): chr17:58,357,490, G>A on the plus strand (C>T on the coding strand, the complement: RNF43 is on the minus strand). VCF-style: chr17-58357490-G-A. GRCh37 (hg19) VCF-style: chr17-56434851-G-A.
Other names: c.2286C>T, p.Cys762= (NM_001305544.3); c.1905C>T, p.Cys635= (NM_001305545.2).
Identifiers: ClinVar variation 2890208 (VCV002890208.6), dbSNP rs564215300, ClinGen allele CA8673036.

ClinVar aggregate classification (germline): Benign/Likely benign. Review status: criteria provided, multiple submitters, no conflicts (2 of 4 stars). 4 submissions from 4 submitters: Benign (1); Likely benign (3). Last evaluated 2026-07-02.

Conditions:
Sessile serrated polyposis cancer syndrome (SSPCS). Identifiers: Orphanet 157798, MedGen C4310714, MONDO:0014919, OMIM 617108.

Allele frequency attached by ClinVar (database versions not stated): 1000 Genomes Project 0.00020; gnomAD 0.00001; 1000 Genomes Project 30x 0.00031.
gnomAD v4.1: 2 of 1,614,220 alleles (0.00012%); highest among the groups gnomAD compares: Admixed American, 0.0033%; no homozygotes.

Submissions (4):

Myriad Genetics, Inc.
Classification: Benign for Sessile serrated polyposis cancer syndrome. Last evaluated: 2026-07-02. Review status: criteria provided, single submitter. Criteria: Myriad Autosomal Dominant, Autosomal Recessive and X-Linked Classification Criteria (2023). Collection method: clinical testing. Allele origin: unknown.
Comment: This variant is considered benign. This variant is a silent/synonymous amino acid change and it is not expected to impact splicing.

Center for Genomic Medicine, Rigshospitalet, Copenhagen University Hospital
Classification: Likely benign. Last evaluated: 2025-12-29. Review status: criteria provided, single submitter. Criteria: ACMG Guidelines, 2015. Collection method: clinical testing. Allele origin: germline.

Ambry Genetics
Classification: Likely benign. Last evaluated: 2025-01-06. Review status: criteria provided, single submitter. Criteria: Ambry Variant Classification Scheme 2023. Collection method: clinical testing. Allele origin: germline.

Labcorp Genetics (formerly Invitae), Labcorp
Classification: Likely benign. Last evaluated: 2025-01-06. Review status: criteria provided, single submitter. Criteria: Invitae Variant Classification Sherloc (09022015). Collection method: clinical testing. Allele origin: germline.